The following is an entry in ClinVar:

NM_000059.4(BRCA2):c.265C>T (p.Pro89Ser)

Gene: BRCA2 (BRCA2 DNA repair associated; plus strand). Cytogenetic location: 13q13.1.
Variant type: single nucleotide variant.
Coding change: c.265C>T on transcript NM_000059.4 (MANE Select); coding-DNA position 265, C replaced by T.
Protein change: p.Pro89Ser; replaces proline 89 with serine.
Molecular consequence: missense variant. On other transcripts: 5 prime UTR variant (1), non-coding transcript variant (1).
Genome position (GRCh38, 1-based): chr13:32,319,274, C>T. VCF-style: chr13-32319274-C-T. GRCh37 (hg19) VCF-style: chr13-32893411-C-T.
Other names: c.265C>T, p.Pro89Ser (NM_001406719.1, NM_001406720.1, NM_001406721.1 and 1 more transcripts); c.-105C>T (NM_001406722.1); short protein forms P89S.
Identifiers: ClinVar variation 5033342 (VCV005033342.1).

ClinVar aggregate classification (germline): Uncertain significance (1 of 4 stars; one submission).

Conditions:
Hereditary cancer-predisposing syndrome. Also called: Neoplastic Syndromes, Hereditary; Tumor predisposition; Hereditary neoplastic syndrome; Hereditary Cancer Syndrome. Identifiers: Orphanet 140162, MedGen C0027672, MeSH D009386, MONDO:0015356.

Submission:

Ambry Genetics
Classification: Uncertain significance for Hereditary cancer-predisposing syndrome. Last evaluated: 2026-08-13. Review status: criteria provided, single submitter. Criteria: Ambry Variant Classification Scheme 2023. Collection method: clinical testing. Allele origin: germline.
Comment: The p.P89S variant (also known as c.265C>T), located in coding exon 2 of the BRCA2 gene, results from a C to T substitution at nucleotide position 265. The proline at codon 89 is replaced by serine, an amino acid with similar properties. This amino acid position is not well conserved in available vertebrate species. In addition, this alteration is predicted to be tolerated by in silico analysis. Based on the available evidence, the clinical significance of this variant remains unclear.